The following is an entry in ClinVar:

ClinVar aggregate classification (germline): Likely benign. Review status: criteria provided, multiple submitters, no conflicts (2 of 4 stars). 3 submissions from 3 submitters: Likely benign (3). Last evaluated 2026-01-13.

Allele frequency attached by ClinVar (database versions not stated): TOPMed 0.00014; gnomAD 0.00015; ExAC 0.00018; gnomAD exomes 0.00020 and 0.00021; ESP Exome Variant Server 0.00041.
gnomAD v4.1: 317 of 1,603,804 alleles (0.02%); highest among the groups gnomAD compares: Non-Finnish European, 0.026%; no homozygotes.

Submissions (3):

Labcorp Genetics (formerly Invitae), Labcorp
Classification: Likely benign. Last evaluated: 2026-01-13. Review status: criteria provided, single submitter. Criteria: Invitae Variant Classification Sherloc (09022015). Collection method: clinical testing. Allele origin: germline.

Blueprint Genetics
Classification: Likely benign. Last evaluated: 2024-11-18. Review status: criteria provided, single submitter. Criteria: ACMG Guidelines, 2015. Collection method: clinical testing. Allele origin: germline.

CeGaT Center for Human Genetics Tuebingen
Classification: Likely benign. Last evaluated: 2024-10-01. Review status: criteria provided, single submitter. Criteria: CeGaT Center For Human Genetics Tuebingen Variant Classification Criteria Version 2. Collection method: clinical testing. Allele origin: germline. Affected: yes. Observed: 1 variant allele.
Comment: PCLO: BP4, BP7

NM_033026.6(PCLO):c.2631A>G (p.Thr877=)

Gene: PCLO (piccolo presynaptic cytomatrix protein; minus strand). Cytogenetic location: 7q21.11.
Variant type: single nucleotide variant.
Coding change: c.2631A>G on transcript NM_033026.6 (MANE Select); coding-DNA position 2631, A replaced by G.
Protein change: p.Thr877=; no amino-acid change (threonine 877 retained).
Molecular consequence: synonymous variant.
Genome position (GRCh38, 1-based): chr7:83,134,919, T>C on the plus strand (A>G on the coding strand, the complement: PCLO is on the minus strand). VCF-style: chr7-83134919-T-C. GRCh37 (hg19) VCF-style: chr7-82764235-T-C.
Other names: c.2631A>G, p.Thr877= (NM_014510.3).
Identifiers: ClinVar variation 1531568 (VCV001531568.23), dbSNP rs370642928, ClinGen allele CA4321239.